The following is an entry in ClinVar:

NM_000186.4(CFH):c.3674_*2delinsT (p.Tyr1225_Ter1232delinsXaa)

Gene: CFH (complement factor H; plus strand). Cytogenetic location: 1q31.3.
Variant type: Indel.
Coding change: c.3674_*2delinsT on transcript NM_000186.4 (MANE Select); coding-DNA position 3674 through 2 bases downstream of the stop codon, ATCCAACTTGTGCAAAAAGATAGAA replaced by T.
Protein change: p.Tyr1225_Ter1232delinsXaa.
Molecular consequence: stop lost.
Genome position (GRCh38, 1-based): chr1:196,747,291-196,747,315, ATCCAACTTGTGCAAAAAGATAGAA replaced by T. VCF-style: chr1-196747291-ATCCAACTTGTGCAAAAAGATAGAA-T. GRCh37 (hg19) VCF-style: chr1-196716421-ATCCAACTTGTGCAAAAAGATAGAA-T.
Identifiers: ClinVar variation 4291644 (VCV004291644.1).

ClinVar aggregate classification (germline): Pathogenic (1 of 4 stars; one submission).

Conditions:
Atypical hemolytic-uremic syndrome. Identifiers: Orphanet 2134, MedGen C2931788, MONDO:0016244.

Submission:

Genomenon, Inc
Classification: Pathogenic for Atypical hemolytic-uremic syndrome. Last evaluated: 2025-10-02. Review status: criteria provided, single submitter. Criteria: Genomenon Sequence Variant Interpretation Standards - Updated. Collection method: curation. Allele origin: germline. Affected: yes.
Comment: CFH p.Tyr1225PhefsTer4 (c.3674_*2delinsT) is a frameshift variant that results in the production of a truncated protein. This variant has been observed in at least one proband affected with atypical hemolytic-uremic syndrome (PMID:29500241;11158219;10762557). The variant was found to segregate with disease in at least one affected family (PMID:11158219). It is absent or not present at a significant frequency in gnomAD. In conclusion, we classify CFH p.Tyr1225PhefsTer4 (c.3674_*2delinsT) as a pathogenic variant.

Literature cited by the submitters: PubMed 29500241; PubMed 11158219; PubMed 10762557.